The following is an entry in ClinVar:

NM_001330700.2(TOP2B):c.3631A>C (p.Met1211Leu)

Gene: TOP2B (DNA topoisomerase II beta; minus strand). Cytogenetic location: 3p24.2.
Variant type: single nucleotide variant.
Coding change: c.3631A>C on transcript NM_001330700.2 (MANE Select); coding-DNA position 3631, A replaced by C.
Protein change: p.Met1211Leu; replaces methionine 1211 with leucine.
Molecular consequence: missense variant.
Genome position (GRCh38, 1-based): chr3:25,612,670, T>G on the plus strand (A>C on the coding strand, the complement: TOP2B is on the minus strand). VCF-style: chr3-25612670-T-G. GRCh37 (hg19) VCF-style: chr3-25654161-T-G.
Other names: c.3616A>C, p.Met1206Leu (NM_001068.3); short protein forms M1211L, M1206L.
Identifiers: ClinVar variation 3659279 (VCV003659279.2).

ClinVar aggregate classification (germline): Uncertain significance (1 of 4 stars; one submission).

Submission:

Labcorp Genetics (formerly Invitae), Labcorp
Classification: Uncertain significance. Last evaluated: 2025-07-21. Review status: criteria provided, single submitter. Criteria: Invitae Variant Classification Sherloc (09022015). Collection method: clinical testing. Allele origin: germline.
Comment: This sequence change replaces methionine, which is neutral and non-polar, with leucine, which is neutral and non-polar, at codon 1206 of the TOP2B protein (p.Met1206Leu). This variant is not present in population databases (gnomAD no frequency). This variant has not been reported in the literature in individuals affected with TOP2B-related conditions. ClinVar contains an entry for this variant (Variation ID: 3659279). An algorithm developed to predict the effect of missense changes on protein structure and function (PolyPhen-2) suggests that this variant is likely to be tolerated. In summary, the available evidence is currently insufficient to determine the role of this variant in disease. Therefore, it has been classified as a Variant of Uncertain Significance.